The following is an entry in ClinVar:

ClinVar aggregate classification (germline): Conflicting classifications of pathogenicity. Review status: criteria provided, conflicting classifications (1 of 4 stars). 10 submissions from 10 submitters: Uncertain significance (7); Likely benign (3). Last evaluated 2026-09-22.

Conditions:
Hereditary cancer-predisposing syndrome. Also called: Neoplastic Syndromes, Hereditary; Hereditary Cancer Syndrome; Tumor predisposition; Hereditary neoplastic syndrome. Identifiers: Orphanet 140162, MedGen C0027672, MeSH D009386, MONDO:0015356.
Von Hippel-Lindau syndrome (VHLS). Also called: von Hippel–Lindau syndrome; Von Hippel-Lindau; VHL syndrome. Identifiers: Orphanet 892, MedGen C0019562, MONDO:0008667, OMIM 193300. Disease mechanism: loss of function.
Chuvash polycythemia. Also called: POLYCYTHEMIA, VHL-DEPENDENT. Identifiers: Orphanet 238557, MedGen C1837915, MONDO:0009892, OMIM 263400.
Nonpapillary renal cell carcinoma. Identifiers: Orphanet 422526, MedGen CN074294, MONDO:0007763, OMIM 144700.
Pheochromocytoma. Also called: MAX-Related Hereditary Paraganglioma-Pheochromocytoma Syndrome. Identifiers: Orphanet 29072, MedGen C0031511, MONDO:0008233, OMIM 171300, HP:0002666.
VHL-related disorder. Also called: VHL-related condition.

Allele frequency attached by ClinVar (database versions not stated): gnomAD 0.00001; gnomAD exomes 0.00002 and 0.00005; TOPMed 0.00002; ExAC 0.00005.
gnomAD v4.1: 27 of 1,599,394 alleles (0.0017%); highest among the groups gnomAD compares: South Asian, 0.0099%; no homozygotes.

Submissions (10):

PreventionGenetics, part of Exact Sciences
Classification: Uncertain significance for VHL-related condition. Last evaluated: 2026-09-22. Review status: criteria provided, single submitter. Criteria: ACMG Guidelines, 2015. Collection method: clinical testing. Allele origin: germline.
Comment: The VHL c.298A>G variant is predicted to result in the amino acid substitution p.Thr100Ala. To our knowledge, this variant has not been reported in the literature in individuals with VHL associated conditions. Experimental studies showed this variant is functionally neutral (Supp. Table 1, Buckley et al. 2024. PubMed ID: 38969834). This variant is reported in 0.017% of alleles in individuals of South Asian descent in gnomAD. This variant has conflicting interpretations in ClinVar ranging from uncertain to likely benign (Variation ID: 526674). At this time, the clinical significance of this variant is uncertain due to the absence of conclusive functional and genetic evidence.

Labcorp Genetics (formerly Invitae), Labcorp
Classification: Uncertain significance for Von Hippel-Lindau syndrome; Chuvash polycythemia. Last evaluated: 2025-10-11. Review status: criteria provided, single submitter. Criteria: Invitae Variant Classification Sherloc (09022015). Collection method: clinical testing. Allele origin: germline.
Comment: This sequence change replaces threonine, which is neutral and polar, with alanine, which is neutral and non-polar, at codon 100 of the VHL protein (p.Thr100Ala). This variant is present in population databases (rs745901803, gnomAD 0.02%). This variant has not been reported in the literature in individuals affected with VHL-related conditions. ClinVar contains an entry for this variant (Variation ID: 526674). Invitae Evidence Modeling of protein sequence and biophysical properties (such as structural, functional, and spatial information, amino acid conservation, physicochemical variation, residue mobility, and thermodynamic stability) indicates that this missense variant is expected to disrupt VHL protein function with a positive predictive value of 80%. In summary, the available evidence is currently insufficient to determine the role of this variant in disease. Therefore, it has been classified as a Variant of Uncertain Significance.

Color Diagnostics, LLC DBA Color Health
Classification: Likely benign for Von Hippel-Lindau syndrome. Last evaluated: 2025-08-29. Review status: criteria provided, single submitter. Criteria: ACMG Guidelines, 2015. Collection method: clinical testing. Allele origin: germline.

Quest Diagnostics Nichols Institute San Juan Capistrano
Classification: Uncertain significance. Last evaluated: 2024-10-17. Review status: criteria provided, single submitter. Criteria: Quest Diagnostics criteria. Collection method: clinical testing. Allele origin: unknown.
Comment: The VHL c.298A>G (p.Thr100Ala) variant has been reported in the published literature in somatic tissue samples from individual with renal cell carcinoma (RCC) (PMIDs: 32982583 (2020), 7591282 (1995)), however this variant has not been reported to be germline in individuals with VHL-related conditions. Functional studies demonstrated that this variant has an inconclusive effect on protein function (PMID: 38969834 (2024)). The frequency of this variant in the general population, 0.00017 (5/30162 chromosomes in South Asian subpopulation (Genome Aggregation Database)), is higher than would generally be expected for pathogenic variants in this gene. Analysis of this variant using bioinformatics tools for the prediction of the effect of amino acid changes on protein structure and function yielded predictions that this variant is benign. Based on the available information, we are unable to determine the clinical significance of this variant.

Myriad Genetics, Inc.
Classification: Likely benign for Von Hippel-Lindau syndrome. Last evaluated: 2024-08-14. Review status: criteria provided, single submitter. Criteria: Myriad Autosomal Dominant, Autosomal Recessive and X-Linked Classification Criteria (2023). Collection method: clinical testing. Allele origin: unknown.
Comment: This variant is considered likely benign. This variant has been observed at a population frequency that is significantly greater than expected given the associated disease prevalence and penetrance.

Ambry Genetics
Classification: Likely benign for Hereditary cancer-predisposing syndrome. Last evaluated: 2023-01-03. Review status: criteria provided, single submitter. Criteria: Ambry Variant Classification Scheme 2023. Collection method: clinical testing. Allele origin: germline.

GeneDx
Classification: Uncertain significance. Last evaluated: 2022-01-26. Review status: criteria provided, single submitter. Criteria: GeneDx Variant Classification Process June 2021. Collection method: clinical testing. Allele origin: germline. Affected: yes.
Comment: In silico analysis supports that this missense variant does not alter protein structure/function; Has not been previously published as a pathogenic or benign germline variant to our knowledge; Also known as c.511A>G, p.T171A; Also known as p.T141A; This variant is associated with the following publications: (PMID: 20151405, 7591282)

Sema4
Classification: Uncertain significance for Hereditary cancer-predisposing syndrome. Last evaluated: 2022-01-20. Review status: criteria provided, single submitter. Criteria: Sema4 Curation Guidelines. Collection method: curation. Allele origin: germline.
Comment: To the best of our knowledge, the VHL c.298A>G (p.T100A) variant has not been reported in individuals with VHL-related disease. It was observed in 12/253876 chromosomes across the large and broad cohorts of the Genome Aggregation Database (PMID: 32461654). The variant has been reported in ClinVar (Variation ID: 526674). Functional studies have not been performed, and in silico predictions of the variant's effect on protein function are inconclusive. The evidence is insufficient to meet ACMG/AMP criteria for classifying the variant as benign or pathogenic. Thus, the clinical significance of this variant is currently uncertain.

Fulgent Genetics
Classification: Uncertain significance for Nonpapillary renal cell carcinoma; Pheochromocytoma; Von Hippel-Lindau syndrome; Chuvash polycythemia. Last evaluated: 2021-11-17. Review status: criteria provided, single submitter. Criteria: ACMG Guidelines, 2015. Collection method: clinical testing. Allele origin: unknown.

CeGaT Center for Human Genetics Tuebingen
Classification: Uncertain significance. Last evaluated: 2019-04-01. Review status: criteria provided, single submitter. Criteria: CeGaT Center For Human Genetics Tuebingen Variant Classification Criteria Version 2. Collection method: clinical testing. Allele origin: germline. Affected: yes. Observed: 1 variant allele.

Literature cited by the submitters: PubMed 20151405 (cited by Quest Diagnostics Nichols Institute San Juan Capistrano); PubMed 32982583 (cited by Quest Diagnostics Nichols Institute San Juan Capistrano); PubMed 30943211 (cited by Quest Diagnostics Nichols Institute San Juan Capistrano); PubMed 24969085 (cited by Quest Diagnostics Nichols Institute San Juan Capistrano); PubMed 38969834 (cited by Quest Diagnostics Nichols Institute San Juan Capistrano); PubMed 7591282 (cited by Quest Diagnostics Nichols Institute San Juan Capistrano).

NM_000551.4(VHL):c.298A>G (p.Thr100Ala)

Gene: VHL (von Hippel-Lindau tumor suppressor; plus strand). Cytogenetic location: 3p25.3.
Variant type: single nucleotide variant.
Coding change: c.298A>G on transcript NM_000551.4 (MANE Select); coding-DNA position 298, A replaced by G.
Protein change: p.Thr100Ala; replaces threonine 100 with alanine.
Molecular consequence: missense variant.
Genome position (GRCh38, 1-based): chr3:10,142,145, A>G. VCF-style: chr3-10142145-A-G. GRCh37 (hg19) VCF-style: chr3-10183829-A-G.
Other names: c.298A>G, p.Thr100Ala (NM_001354723.2, NM_198156.3); short protein forms T100A.
Identifiers: ClinVar variation 526674 (VCV000526674.62), dbSNP rs745901803, ClinGen allele CA040192.